The following is an entry in ClinVar:

NM_015512.5(DNAH1):c.4477A>G (p.Ile1493Val)

Gene: DNAH1 (dynein axonemal heavy chain 1; plus strand). Cytogenetic location: 3p21.1.
Variant type: single nucleotide variant.
Coding change: c.4477A>G on transcript NM_015512.5 (MANE Select); coding-DNA position 4477, A replaced by G.
Protein change: p.Ile1493Val; replaces isoleucine 1493 with valine.
Molecular consequence: missense variant.
Genome position (GRCh38, 1-based): chr3:52,359,985, A>G. VCF-style: chr3-52359985-A-G. GRCh37 (hg19) VCF-style: chr3-52394001-A-G.
Other names: short protein forms I1493V.
Identifiers: ClinVar variation 544616 (VCV000544616.5), dbSNP rs375805820, ClinGen allele CA74749770.

ClinVar aggregate classification (germline): Uncertain significance (1 of 4 stars; one submission).

Conditions:
Ciliary dyskinesia, primary, 37 (CILD37). Also called: CILIARY DYSKINESIA, PRIMARY, 37, WITH OR WITHOUT SITUS INVERSUS. Identifiers: MedGen C4539798, MONDO:0033204, OMIM 617577.
Spermatogenic failure 18. Identifiers: MedGen C4539783, MONDO:0054615, OMIM 617576.

Allele frequency attached by ClinVar (database versions not stated): TOPMed 0.00001; ESP Exome Variant Server 0.00008.
gnomAD v4.1: 18 of 1,613,822 alleles (0.0011%); highest among the groups gnomAD compares: Non-Finnish European, 0.0014%; no homozygotes.

Submission:

Labcorp Genetics (formerly Invitae), Labcorp
Classification: Uncertain significance for Ciliary dyskinesia, primary, 37; Spermatogenic failure 18. Last evaluated: 2025-10-10. Review status: criteria provided, single submitter. Criteria: Invitae Variant Classification Sherloc (09022015). Collection method: clinical testing. Allele origin: germline.
Comment: This sequence change replaces isoleucine, which is neutral and non-polar, with valine, which is neutral and non-polar, at codon 1493 of the DNAH1 protein (p.Ile1493Val). This variant is not present in population databases (gnomAD no frequency). This variant has not been reported in the literature in individuals affected with DNAH1-related conditions. ClinVar contains an entry for this variant (Variation ID: 544616). Invitae Evidence Modeling of protein sequence and biophysical properties (such as structural, functional, and spatial information, amino acid conservation, physicochemical variation, residue mobility, and thermodynamic stability) indicates that this missense variant is expected to disrupt DNAH1 protein function with a positive predictive value of 80%. In summary, the available evidence is currently insufficient to determine the role of this variant in disease. Therefore, it has been classified as a Variant of Uncertain Significance.